The following is an entry in ClinVar:

ClinVar aggregate classification (germline): Uncertain significance (1 of 4 stars; one submission).

Conditions:
Fanconi anemia complementation group J. Also called: BRIP1-Related Fanconi Anemia. Identifiers: Orphanet 84, MedGen C1836860, MONDO:0012187, OMIM 609054.
Familial cancer of breast. Also called: hereditary breast carcinoma; Hereditary breast cancer; BREAST CANCER, FAMILIAL. Identifiers: Orphanet 227535, MedGen C0346153, MONDO:0016419, OMIM 114480. Disease mechanism: loss of function.

Submission:

Labcorp Genetics (formerly Invitae), Labcorp
Classification: Uncertain significance for Familial cancer of breast; Fanconi anemia complementation group J. Last evaluated: 2022-10-07. Review status: criteria provided, single submitter. Criteria: Invitae Variant Classification Sherloc (09022015). Collection method: clinical testing. Allele origin: germline.
Comment: This sequence change replaces cysteine, which is neutral and slightly polar, with serine, which is neutral and polar, at codon 217 of the BRIP1 protein (p.Cys217Ser). This variant is not present in population databases (gnomAD no frequency). This variant has not been reported in the literature in individuals affected with BRIP1-related conditions. ClinVar contains an entry for this variant (Variation ID: 1055285). Advanced modeling of protein sequence and biophysical properties (such as structural, functional, and spatial information, amino acid conservation, physicochemical variation, residue mobility, and thermodynamic stability) performed at Invitae indicates that this missense variant is not expected to disrupt BRIP1 protein function. Algorithms developed to predict the effect of sequence changes on RNA splicing suggest that this variant may disrupt the consensus splice site. In summary, the available evidence is currently insufficient to determine the role of this variant in disease. Therefore, it has been classified as a Variant of Uncertain Significance.

NM_032043.3(BRIP1):c.649T>A (p.Cys217Ser)

Gene: BRIP1 (BRCA1 interacting DNA helicase 1; minus strand). Cytogenetic location: 17q23.2.
Variant type: single nucleotide variant.
Coding change: c.649T>A on transcript NM_032043.3 (MANE Select); coding-DNA position 649, T replaced by A.
Protein change: p.Cys217Ser; replaces cysteine 217 with serine.
Molecular consequence: missense variant.
Genome position (GRCh38, 1-based): chr17:61,808,736, A>T on the plus strand (T>A on the coding strand, the complement: BRIP1 is on the minus strand). VCF-style: chr17-61808736-A-T. GRCh37 (hg19) VCF-style: chr17-59886097-A-T.
Other names: short protein forms C217S.
Identifiers: ClinVar variation 1055285 (VCV001055285.11), dbSNP rs2145422887, ClinGen allele CA400485210.